The following is an entry in ClinVar:

NM_007294.4(BRCA1):c.2957T>C (p.Ile986Thr)

Gene: BRCA1 (BRCA1 DNA repair associated; minus strand). Cytogenetic location: 17q21.31.
Variant type: single nucleotide variant.
Coding change: c.2957T>C on transcript NM_007294.4 (MANE Select); coding-DNA position 2957, T replaced by C.
Protein change: p.Ile986Thr; replaces isoleucine 986 with threonine.
Molecular consequence: missense variant. On other transcripts: intron variant (137).
Genome position (GRCh38, 1-based): chr17:43,092,574, A>G on the plus strand (T>C on the coding strand, the complement: BRCA1 is on the minus strand). VCF-style: chr17-43092574-A-G. GRCh37 (hg19) VCF-style: chr17-41244591-A-G.
Other names: c.2813T>C, p.Ile938Thr (NM_001407847.1, NM_001407848.1, NM_001407849.1 and 20 more transcripts); c.2816T>C, p.Ile939Thr (NM_001407850.1, NM_001407851.1, NM_001407852.1 and 29 more transcripts); c.2744T>C, p.Ile915Thr (NM_001407853.1, NM_001407894.1, NM_001407895.1 and 9 more transcripts); c.2957T>C, p.Ile986Thr (NM_001407854.1, NM_001407858.1, NM_007300.4 and 30 more transcripts); c.2747T>C, p.Ile916Thr (NM_001407884.1, NM_001407885.1, NM_001407886.1 and 13 more transcripts); c.2834T>C, p.Ile945Thr (NM_001407919.1, NM_001407937.1, NM_001407938.1 and 19 more transcripts); c.2693T>C, p.Ile898Thr (NM_001407920.1, NM_001407921.1, NM_001407922.1 and 9 more transcripts); c.2690T>C, p.Ile897Thr (NM_001407934.1, NM_001407936.1, NM_001407930.1 and 2 more transcripts); and 41 more; short protein forms I690T, I818T, I858T, I859T, I874T, I875T, I897T, I898T.
Identifiers: ClinVar variation 3069231 (VCV003069231.2), dbSNP rs2154350506, ClinGen allele CA10596082.

ClinVar aggregate classification (germline): Uncertain significance. Review status: criteria provided, multiple submitters, no conflicts (2 of 4 stars). 2 submissions from 2 submitters: Uncertain significance (2). Last evaluated 2025-09-24.

Conditions:
Hereditary breast ovarian cancer syndrome. Also called: BRCA1- and BRCA2-Associated Hereditary Breast and Ovarian Cancer; Hereditary breast and ovarian cancer syndrome; Hereditary breast and ovarian cancer; Hereditary breast and ovarian cancer syndrome (HBOC); Breast and ovarian cancer; Hereditary breast and/or ovarian cancer syndrome. Identifiers: Orphanet 145, MedGen C0677776, MeSH D061325, MONDO:0003582. Disease mechanism: loss of function.
Breast-ovarian cancer, familial, susceptibility to, 1 (BROVCA1). Also called: BRCA1 Hereditary Breast and Ovarian Cancer; OVARIAN CANCER, SUSCEPTIBILITY TO. Identifiers: Orphanet 145, MedGen C2676676, MONDO:0011450, OMIM 604370. Disease mechanism: loss of function.

Submissions (2):

Labcorp Genetics (formerly Invitae), Labcorp
Classification: Uncertain significance for Hereditary breast ovarian cancer syndrome. Last evaluated: 2025-09-24. Review status: criteria provided, single submitter. Criteria: Invitae Variant Classification Sherloc (09022015). Collection method: clinical testing. Allele origin: germline.
Comment: This sequence change replaces isoleucine, which is neutral and non-polar, with threonine, which is neutral and polar, at codon 986 of the BRCA1 protein (p.Ile986Thr). This variant is not present in population databases (gnomAD no frequency). This variant has not been reported in the literature in individuals affected with BRCA1-related conditions. ClinVar contains an entry for this variant (Variation ID: 3069231). Invitae Evidence Modeling of protein sequence and biophysical properties (such as structural, functional, and spatial information, amino acid conservation, physicochemical variation, residue mobility, and thermodynamic stability) indicates that this missense variant is not expected to disrupt BRCA1 protein function with a negative predictive value of 80%. In summary, the available evidence is currently insufficient to determine the role of this variant in disease. Therefore, it has been classified as a Variant of Uncertain Significance.

All of Us Research Program, National Institutes of Health
Classification: Uncertain significance for Breast-ovarian cancer, familial, susceptibility to, 1. Last evaluated: 2023-08-28. Review status: criteria provided, single submitter. Criteria: ACMG Guidelines, 2015. Collection method: clinical testing. Allele origin: germline. Inheritance: Autosomal dominant inheritance. Observed: 1 variant allele, 1 heterozygote.
Comment: This missense variant replaces isoleucine with threonine at codon 986 of the BRCA1 protein. Computational prediction suggests that this variant may not impact protein structure and function (internally defined REVEL score threshold <= 0.5, PMID: 27666373). To our knowledge, functional studies have not been reported for this variant. This variant has not been reported in individuals affected with hereditary cancer in the literature. This variant has not been identified in the general population by the Genome Aggregation Database (gnomAD). The available evidence is insufficient to determine the role of this variant in disease conclusively. Therefore, this variant is classified as a Variant of Uncertain Significance.

This study involves interpretation of variants in research participants for the purpose of population health screening. Participant phenotype was not available at the time of variant classification. Additional details can be found in publication PMID: 35346344, PMCID: PMC8962531